The following is an entry in ClinVar:

NM_000059.4(BRCA2):c.7119C>A (p.Ser2373Arg)

Gene: BRCA2 (BRCA2 DNA repair associated; plus strand). Cytogenetic location: 13q13.1.
Variant type: single nucleotide variant.
Coding change: c.7119C>A on transcript NM_000059.4 (MANE Select); coding-DNA position 7119, C replaced by A.
Protein change: p.Ser2373Arg; replaces serine 2373 with arginine.
Molecular consequence: missense variant.
Genome position (GRCh38, 1-based): chr13:32,354,972, C>A. VCF-style: chr13-32354972-C-A. GRCh37 (hg19) VCF-style: chr13-32929109-C-A.
Other names: c.7023C>A, p.Ser2341Arg (NM_001406719.1); c.7119C>A, p.Ser2373Arg (NM_001406720.1); c.2187C>A, p.Ser729Arg (NM_001406721.1); c.702C>A, p.Ser234Arg (NM_001406722.1); short protein forms S2341R, S2373R, S729R, S234R.
Identifiers: ClinVar variation 1943891 (VCV001943891.6), dbSNP rs786202624, ClinGen allele CA387738708.
Genomic context (GRCh38, chr13:32,354,972, plus strand): 5'-TCAAGAATTTCTGTCTAAATCTCATTTGTATGAACATCTGACTTTGGAAAAATCTTCAAG[C>A]AATTTAGCAGTTTCAGGACATCCATTTTATCAAGTTTCTGCTACAAGAAATGAAAAAATG-3'
Protein context (NP_000050.3, residues 2363-2383): YEHLTLEKSS[Ser2373Arg]NLAVSGHPFY

ClinVar aggregate classification (germline): Uncertain significance. Review status: criteria provided, multiple submitters, no conflicts (2 of 4 stars). 2 submissions from 2 submitters: Uncertain significance (2). Last evaluated 2026-03-04.

Conditions:
Hereditary cancer-predisposing syndrome. Also called: Tumor predisposition; Hereditary Cancer Syndrome; Hereditary neoplastic syndrome; Neoplastic Syndromes, Hereditary. Identifiers: Orphanet 140162, MedGen C0027672, MeSH D009386, MONDO:0015356.
Hereditary breast ovarian cancer syndrome. Also called: Hereditary breast and ovarian cancer; Hereditary breast and ovarian cancer syndrome (HBOC); BRCA1- and BRCA2-Associated Hereditary Breast and Ovarian Cancer; Hereditary breast and ovarian cancer syndrome; Breast and ovarian cancer; Hereditary breast and/or ovarian cancer syndrome. Identifiers: Orphanet 145, MedGen C0677776, MeSH D061325, MONDO:0003582. Disease mechanism: loss of function.

Submissions (2):

Ambry Genetics
Classification: Uncertain significance for Hereditary cancer-predisposing syndrome. Last evaluated: 2026-03-04. Review status: criteria provided, single submitter. Criteria: Ambry Variant Classification Scheme 2023. Collection method: clinical testing. Allele origin: germline.
Comment: The p.S2373R variant (also known as c.7119C>A), located in coding exon 13 of the BRCA2 gene, results from a C to A substitution at nucleotide position 7119. The serine at codon 2373 is replaced by arginine, an amino acid with dissimilar properties. This amino acid position is well conserved in available vertebrate species. In addition, the in silico prediction for this alteration is inconclusive. Based on the available evidence, the clinical significance of this variant remains unclear.

Labcorp Genetics (formerly Invitae), Labcorp
Classification: Uncertain significance for Hereditary breast ovarian cancer syndrome. Last evaluated: 2024-09-27. Review status: criteria provided, single submitter. Criteria: Invitae Variant Classification Sherloc (09022015). Collection method: clinical testing. Allele origin: germline.
Comment: This sequence change replaces serine, which is neutral and polar, with arginine, which is basic and polar, at codon 2373 of the BRCA2 protein (p.Ser2373Arg). This variant is not present in population databases (gnomAD no frequency). This variant has not been reported in the literature in individuals affected with BRCA2-related conditions. ClinVar contains an entry for this variant (Variation ID: 1943891). Invitae Evidence Modeling of protein sequence and biophysical properties (such as structural, functional, and spatial information, amino acid conservation, physicochemical variation, residue mobility, and thermodynamic stability) indicates that this missense variant is not expected to disrupt BRCA2 protein function with a negative predictive value of 95%. In summary, the available evidence is currently insufficient to determine the role of this variant in disease. Therefore, it has been classified as a Variant of Uncertain Significance.